The following is an entry in ClinVar:

NM_006715.4(MAN2C1):c.1976A>G (p.Tyr659Cys)

Gene: MAN2C1 (mannosidase alpha class 2C member 1; minus strand). Cytogenetic location: 15q24.2.
Variant type: single nucleotide variant.
Coding change: c.1976A>G on transcript NM_006715.4 (MANE Select); coding-DNA position 1976, A replaced by G.
Protein change: p.Tyr659Cys; replaces tyrosine 659 with cysteine.
Molecular consequence: missense variant. On other transcripts: synonymous variant (1).
Genome position (GRCh38, 1-based): chr15:75,359,398, T>C on the plus strand (A>G on the coding strand, the complement: MAN2C1 is on the minus strand). VCF-style: chr15-75359398-T-C. GRCh37 (hg19) VCF-style: chr15-75651739-T-C.
Other names: c.1976A>G, p.Tyr659Cys (NM_001256495.2); c.1679A>G, p.Tyr560Cys (NM_001256496.2); c.1989A>G, p.Leu663= (NM_001256494.2); short protein forms Y560C, Y659C.
Identifiers: ClinVar variation 4534232 (VCV004534232.6).

ClinVar aggregate classification (germline): Uncertain significance (1 of 4 stars; one submission).

gnomAD v4.1: 39 of 1,610,492 alleles (0.0024%); highest among the groups gnomAD compares: Non-Finnish European, 0.003%; no homozygotes.

Submission:

CeGaT Center for Human Genetics Tuebingen
Classification: Uncertain significance. Last evaluated: 2025-10-01. Review status: criteria provided, single submitter. Criteria: CeGaT Center For Human Genetics Tuebingen Variant Classification Criteria Version 2. Collection method: clinical testing. Allele origin: germline. Affected: yes. Observed: 1 variant allele.
Comment: MAN2C1: PM2, PP3